The following is an entry in ClinVar:

ClinVar aggregate classification (germline): Uncertain significance (1 of 4 stars; one submission).

Submission:

Ambry Genetics
Classification: Uncertain significance. Last evaluated: 2025-08-25. Review status: criteria provided, single submitter. Criteria: Ambry Variant Classification Scheme 2023. Collection method: clinical testing. Allele origin: germline.
Comment: The p.L1726F variant (also known as c.5178G>C), located in coding exon 22 of the WNK2 gene, results from a G to C substitution at nucleotide position 5178. The leucine at codon 1726 is replaced by phenylalanine, an amino acid with highly similar properties. This amino acid position is conserved. In addition, this alteration is predicted to be tolerated by in silico analysis. Based on the available evidence, the clinical significance of this variant remains unclear.

NM_006648.4(WNK2):c.5178G>C (p.Leu1726Phe)

Gene: WNK2 (WNK lysine deficient protein kinase 2; plus strand). Cytogenetic location: 9q22.31.
Variant type: single nucleotide variant.
Coding change: c.5178G>C on transcript NM_006648.4 (MANE Select); coding-DNA position 5178, G replaced by C.
Protein change: p.Leu1726Phe; replaces leucine 1726 with phenylalanine.
Molecular consequence: missense variant.
Genome position (GRCh38, 1-based): chr9:93,292,643, G>C. VCF-style: chr9-93292643-G-C. GRCh37 (hg19) VCF-style: chr9-96054925-G-C.
Other names: c.5289G>C, p.Leu1763Phe (NM_001282394.3); short protein forms L1763F, L1726F.
Identifiers: ClinVar variation 4201818 (VCV004201818.1).